The following is an entry in ClinVar:

ClinVar aggregate classification (germline): Uncertain significance (1 of 4 stars; one submission).

Conditions:
Orofacial cleft 6, susceptibility to (OFC6). Also called: CLEFT LIP WITH OR WITHOUT CLEFT PALATE, NONSYNDROMIC, 6. Identifiers: MedGen C1837213, MONDO:0012141, OMIM 608864.
Van der Woude syndrome 1. Also called: van der Woude Syndrome (VWS); CLEFT LIP AND/OR PALATE WITH MUCOUS CYSTS OF LOWER LIP. Identifiers: MedGen C4551864, MONDO:0007333, OMIM 119300.
Autosomal dominant popliteal pterygium syndrome. Also called: Popliteal Pterygium Syndrome (PPS); CLEFT LIP/PALATE, PARAMEDIAN MUCOUS CYSTS OF THE LOWER LIP, POPLITEAL PTERYGIUM, DIGITAL AND GENITAL ANOMALIES; FACIOGENITOPOPLITEAL SYNDROME. Identifiers: Orphanet 1300, MedGen C5848052, MONDO:0007334, OMIM 119500.

Submission:

Juno Genomics, Hangzhou Juno Genomics, Inc
Classification: Uncertain significance for Orofacial cleft 6, susceptibility to; Autosomal dominant popliteal pterygium syndrome; Van der Woude syndrome 1. Review status: criteria provided, single submitter. Criteria: ACMG Guidelines, 2015. Collection method: clinical testing. Allele origin: germline.
Comment: Absent from controls (or at extremely low frequency if recessive) in Genome Aggregation Database.;Missense variant in a gene that has a low rate of benign missense variation.

NM_006147.4(IRF6):c.1296C>G (p.Ile432Met)

Gene: IRF6 (interferon regulatory factor 6; minus strand). Cytogenetic location: 1q32.2.
Variant type: single nucleotide variant.
Coding change: c.1296C>G on transcript NM_006147.4 (MANE Select); coding-DNA position 1296, C replaced by G.
Protein change: p.Ile432Met; replaces isoleucine 432 with methionine.
Molecular consequence: missense variant.
Genome position (GRCh38, 1-based): chr1:209,788,528, G>C on the plus strand (C>G on the coding strand, the complement: IRF6 is on the minus strand). VCF-style: chr1-209788528-G-C. GRCh37 (hg19) VCF-style: chr1-209961873-G-C.
Other names: c.1011C>G, p.Ile337Met (NM_001206696.2); short protein forms I337M, I432M.
Identifiers: ClinVar variation 5019865 (VCV005019865.2).